The following is an entry in ClinVar:

ClinVar aggregate classification (germline): Uncertain significance (1 of 4 stars; one submission).

Conditions:
INPP5E-related disorder. Also called: INPP5E-related condition.

Submission:

PreventionGenetics, part of Exact Sciences
Classification: Uncertain significance for INPP5E-related condition. Last evaluated: 2025-07-23. Review status: criteria provided, single submitter. Criteria: ACMG Guidelines, 2015. Collection method: clinical testing. Allele origin: germline.
Comment: The INPP5E c.1328T>C variant is predicted to result in the amino acid substitution p.Val443Ala. To our knowledge, this variant has not been reported in the literature or in a large population database (gnomAD), indicating this variant is rare. At this time, the clinical significance of this variant is uncertain due to the absence of conclusive functional and genetic evidence.

NM_019892.6(INPP5E):c.1328T>C (p.Val443Ala)

Gene: INPP5E (inositol polyphosphate-5-phosphatase E; minus strand). Cytogenetic location: 9q34.3.
Variant type: single nucleotide variant.
Coding change: c.1328T>C on transcript NM_019892.6 (MANE Select); coding-DNA position 1328, T replaced by C.
Protein change: p.Val443Ala; replaces valine 443 with alanine.
Molecular consequence: missense variant.
Genome position (GRCh38, 1-based): chr9:136,432,538, A>G on the plus strand (T>C on the coding strand, the complement: INPP5E is on the minus strand). VCF-style: chr9-136432538-A-G. GRCh37 (hg19) VCF-style: chr9-139326990-A-G.
Other names: c.1325T>C, p.Val442Ala (NM_001318502.2); short protein forms V443A, V442A.
Identifiers: ClinVar variation 4999278 (VCV004999278.1).
Genomic context (GRCh38, chr9:136,432,538, plus strand): 5'-CCTGCGCTGGAGCGATAGGGGTTGGTGTCGGGCACATTTCTGGGCAGGACCAGGGCTTGT[A>G]CAGTCCTGGTGTAGTCCAGCAGCCGCTCCGCCACCTTCCCGTCACCTGCTGTGGGAACAG-3'
Protein context (NP_063945.2, residues 433-453): AERLLDYTRT[Val443Ala]QALVLPRNVP